The following is an entry in ClinVar:

ClinVar aggregate classification (germline): Uncertain significance (1 of 4 stars; one submission).

Conditions:
Familial thoracic aortic aneurysm and aortic dissection (TAAD). Also called: Thoracic aortic aneurysms and dissections. Identifiers: Orphanet 91387, MedGen C4707243, MONDO:0019625.

Allele frequency attached by ClinVar (database versions not stated): gnomAD exomes below 0.00001.
gnomAD v4.1: 1 of 1,614,158 alleles (0.000062%); highest among the groups gnomAD compares: Admixed American, 0.0017%; no homozygotes.

Submission:

Ambry Genetics
Classification: Uncertain significance for Familial thoracic aortic aneurysm and aortic dissection. Last evaluated: 2017-09-30. Review status: criteria provided, single submitter. Criteria: Ambry Variant Classification Scheme 2023. Collection method: clinical testing. Allele origin: germline.
Comment: The p.E1457K variant (also known as c.4369G>A), located in coding exon 23 of the MYLK gene, results from a G to A substitution at nucleotide position 4369. The glutamic acid at codon 1457 is replaced by lysine, an amino acid with similar properties. This amino acid position is not well conserved in available vertebrate species, and lysine is the reference amino acid in other vertebrate species. In addition, this alteration is predicted to be tolerated by in silico analysis. Since supporting evidence is limited at this time, the clinical significance of this alteration remains unclear.

NM_053025.4(MYLK):c.4369G>A (p.Glu1457Lys)

Gene: MYLK (myosin light chain kinase; minus strand). Cytogenetic location: 3q21.1.
Variant type: single nucleotide variant.
Coding change: c.4369G>A on transcript NM_053025.4 (MANE Select); coding-DNA position 4369, G replaced by A.
Protein change: p.Glu1457Lys; replaces glutamic acid 1457 with lysine.
Molecular consequence: missense variant.
Genome position (GRCh38, 1-based): chr3:123,649,017, C>T on the plus strand (G>A on the coding strand, the complement: MYLK is on the minus strand). VCF-style: chr3-123649017-C-T. GRCh37 (hg19) VCF-style: chr3-123367864-C-T.
Other names: c.3841G>A, p.Glu1281Lys (NM_001321309.2); c.4162G>A, p.Glu1388Lys (NM_053026.4, NM_053028.4); c.4369G>A, p.Glu1457Lys (NM_053027.4); short protein forms E1457K, E1281K, E1388K.
Identifiers: ClinVar variation 520018 (VCV000520018.5), dbSNP rs1018778128, ClinGen allele CA82919725.